The following is an entry in ClinVar:

ClinVar aggregate classification (germline): other (0 of 4 stars; one submission).

Conditions:
Familial colorectal cancer. Identifiers: MedGen CN280943, MONDO:0023113. Disease mechanism: loss of function.

Allele frequency attached by ClinVar (database versions not stated): gnomAD 0.07311.

Submission:

Systems Biology Platform Zhejiang California International NanoSystems Institute
Classification: other for Familial colorectal cancer. Review status: no assertion criteria provided. Collection method: not provided. Allele origin: unknown.
ClinVar note: Converted during submission from cancer to other.

NM_000038.6(APC):c.1744-690A>T

Gene: APC (APC regulator of WNT signaling pathway; plus strand). Cytogenetic location: 5q22.2.
Variant type: single nucleotide variant.
Coding change: c.1744-690A>T on transcript NM_000038.6 (MANE Select); 690 bases into the intron before coding-DNA position 1744, A replaced by T.
Molecular consequence: intron variant.
Genome position (GRCh38, 1-based): chr5:112,834,261, A>T. VCF-style: chr5-112834261-A-T. GRCh37 (hg19) VCF-style: chr5-112169958-A-T.
Other names: c.1744-690A>T (NM_001354895.2, NM_001127510.3); c.1774-690A>T (NM_001354897.2); c.1471-690A>T (NM_001354902.2); c.1690-690A>T (NM_001127511.3); c.1669-690A>T (NM_001354898.2); c.1366-690A>T (NM_001354904.2); c.895-690A>T (NM_001354906.2); c.1798-690A>T (NM_001354896.2); and 5 more.
Identifiers: ClinVar variation 83199 (VCV000083199.2), dbSNP rs396971, ClinGen allele CA005939.